The following is an entry in ClinVar:

NM_000548.5(TSC2):c.3163G>A (p.Gly1055Ser)

Gene: TSC2 (TSC complex subunit 2; plus strand). Cytogenetic location: 16p13.3.
Variant type: single nucleotide variant.
Coding change: c.3163G>A on transcript NM_000548.5 (MANE Select); coding-DNA position 3163, G replaced by A.
Protein change: p.Gly1055Ser; replaces glycine 1055 with serine.
Molecular consequence: missense variant. On other transcripts: non-coding transcript variant (5).
Genome position (GRCh38, 1-based): chr16:2,079,307, G>A. VCF-style: chr16-2079307-G-A. GRCh37 (hg19) VCF-style: chr16-2129308-G-A.
Other names: c.3022G>A, p.Gly1008Ser (NM_001406671.1); c.3019G>A, p.Gly1007Ser (NM_001406673.1); c.3016G>A, p.Gly1006Ser (NM_001406675.1); c.3013G>A, p.Gly1005Ser (NM_001406676.1); c.2974G>A, p.Gly992Ser (NM_001406677.1); c.2920G>A, p.Gly974Ser (NM_001406678.1); c.2572G>A, p.Gly858Ser (NM_001406681.1); c.2563G>A, p.Gly855Ser (NM_001406682.1, NM_001406680.1, NM_001406683.1); and 18 more; short protein forms G1012S, G1018S, G1042S, G1054S, G563S, G811S, G855S, G962S.
Identifiers: ClinVar variation 3637217 (VCV003637217.2).

ClinVar aggregate classification (germline): Uncertain significance (1 of 4 stars; one submission).

Conditions:
Tuberous sclerosis 2 (TSC2). Identifiers: Orphanet 805, MedGen C1860707, MONDO:0013199, OMIM 613254.

gnomAD v4.1: 1 of 1,613,048 alleles (0.000062%); highest among the groups gnomAD compares: Non-Finnish European, 0.000085%; no homozygotes.

Submission:

Labcorp Genetics (formerly Invitae), Labcorp
Classification: Uncertain significance for Tuberous sclerosis 2. Last evaluated: 2024-06-03. Review status: criteria provided, single submitter. Criteria: Invitae Variant Classification Sherloc (09022015). Collection method: clinical testing. Allele origin: germline.
Comment: This sequence change replaces glycine, which is neutral and non-polar, with serine, which is neutral and polar, at codon 1055 of the TSC2 protein (p.Gly1055Ser). This variant is not present in population databases (gnomAD no frequency). This variant has not been reported in the literature in individuals affected with TSC2-related conditions. Advanced modeling of protein sequence and biophysical properties (such as structural, functional, and spatial information, amino acid conservation, physicochemical variation, residue mobility, and thermodynamic stability) has been performed at Invitae for this missense variant, however the output from this modeling did not meet the statistical confidence thresholds required to predict the impact of this variant on TSC2 protein function. In summary, the available evidence is currently insufficient to determine the role of this variant in disease. Therefore, it has been classified as a Variant of Uncertain Significance.